The following is an entry in ClinVar:

NM_000069.3(CACNA1S):c.2415C>T (p.Ile805=)

Gene: CACNA1S (calcium voltage-gated channel subunit alpha1 S; minus strand). Cytogenetic location: 1q32.1.
Variant type: single nucleotide variant.
Coding change: c.2415C>T on transcript NM_000069.3 (MANE Select); coding-DNA position 2415, C replaced by T.
Protein change: p.Ile805=; no amino-acid change (isoleucine 805 retained).
Molecular consequence: synonymous variant.
Genome position (GRCh38, 1-based): chr1:201,069,547, G>A on the plus strand (C>T on the coding strand, the complement: CACNA1S is on the minus strand). VCF-style: chr1-201069547-G-A. GRCh37 (hg19) VCF-style: chr1-201038675-G-A.
Identifiers: ClinVar variation 73472 (VCV000073472.15), dbSNP rs267598294, ClinGen allele CA078987.

ClinVar aggregate classification (germline): Likely benign. Review status: criteria provided, multiple submitters, no conflicts (2 of 4 stars). 4 submissions from 4 submitters: Likely benign (4). Last evaluated 2026-03-01.

Conditions:
Hypokalemic periodic paralysis, type 1. Also called: HypoPP; Hypokalemic Periodic Paralysis Type 1 (AD). Identifiers: Orphanet 681, MedGen C3714580, MONDO:0042979, OMIM 170400.
Malignant hyperthermia, susceptibility to, 5 (MHS5). Also called: CACNA1S-Related Malignant Hyperthermia Susceptibility. Identifiers: Orphanet 423, MedGen C1866077, MONDO:0011163, OMIM 601887.

Allele frequency attached by ClinVar (database versions not stated): gnomAD exomes 0.00003 and 0.00005; TOPMed 0.00004.
gnomAD v4.1: 74 of 1,578,784 alleles (0.0047%); highest among the groups gnomAD compares: Admixed American, 0.013%; no homozygotes.

Submissions (4):

CeGaT Center for Human Genetics Tuebingen
Classification: Likely benign. Last evaluated: 2026-03-01. Review status: criteria provided, single submitter. Criteria: CeGaT Center For Human Genetics Tuebingen Variant Classification Criteria Version 2. Collection method: clinical testing. Allele origin: germline. Affected: yes. Observed: 1 variant allele.
Comment: CACNA1S: BP4, BP7

Labcorp Genetics (formerly Invitae), Labcorp
Classification: Likely benign for Hypokalemic periodic paralysis, type 1; Malignant hyperthermia, susceptibility to, 5. Last evaluated: 2025-08-12. Review status: criteria provided, single submitter. Criteria: Invitae Variant Classification Sherloc (09022015). Collection method: clinical testing. Allele origin: germline.

Color Diagnostics, LLC DBA Color Health
Classification: Likely benign for Malignant hyperthermia, susceptibility to, 5. Last evaluated: 2022-11-06. Review status: criteria provided, single submitter. Criteria: ACMG Guidelines, 2015. Collection method: clinical testing. Allele origin: germline.

Breakthrough Genomics
Classification: Likely benign. Review status: criteria provided, single submitter. Criteria: ACMG Guidelines, 2015. Collection method: not provided. Allele origin: germline. Inheritance: Autosomal dominant inheritance. Affected: yes.